The following is an entry in ClinVar:

ClinVar aggregate classification (germline): Likely benign (1 of 4 stars; one submission).

Allele frequency attached by ClinVar (database versions not stated): TOPMed 0.00034; gnomAD 0.00047.

Submission:

CeGaT Center for Human Genetics Tuebingen
Classification: Likely benign. Last evaluated: 2023-04-01. Review status: criteria provided, single submitter. Criteria: CeGaT Center For Human Genetics Tuebingen Variant Classification Criteria Version 2. Collection method: clinical testing. Allele origin: germline. Affected: yes. Observed: 2 variant alleles.
Comment: TAFAZZIN: BS2

NM_000116.5(TAFAZZIN):c.461-979C>T

Gene: TAFAZZIN (tafazzin, phospholipid-lysophospholipid transacylase; plus strand). Cytogenetic location: Xq28.
Variant type: single nucleotide variant.
Coding change: c.461-979C>T on transcript NM_000116.5 (MANE Select); 979 bases into the intron before coding-DNA position 461, C replaced by T.
Molecular consequence: intron variant.
Genome position (GRCh38, 1-based): chrX:154,418,564, C>T. VCF-style: chrX-154418564-C-T. GRCh37 (hg19) VCF-style: chrX-153646903-C-T.
Other names: c.515-979C>T (NM_001303465.2); c.425-979C>T (NM_001410698.1); c.461-979C>T (NM_181312.4); c.371-979C>T (NM_181311.4, NM_181313.4).
Identifiers: ClinVar variation 2661808 (VCV002661808.24), dbSNP rs782628313, ClinGen allele CA337287505.